The following is an entry in ClinVar:

NM_020922.5(WNK3):c.5215G>A (p.Val1739Ile)

Gene: WNK3 (WNK lysine deficient protein kinase 3; minus strand). Cytogenetic location: Xp11.22.
Variant type: single nucleotide variant.
Coding change: c.5215G>A on transcript NM_020922.5 (MANE Select); coding-DNA position 5215, G replaced by A.
Protein change: p.Val1739Ile; replaces valine 1739 with isoleucine.
Molecular consequence: missense variant.
Genome position (GRCh38, 1-based): chrX:54,198,512, C>T on the plus strand (G>A on the coding strand, the complement: WNK3 is on the minus strand). VCF-style: chrX-54198512-C-T. GRCh37 (hg19) VCF-style: chrX-54224945-C-T.
Other names: c.5044G>A, p.Val1682Ile (NM_001002838.4, NM_001395166.1); short protein forms V1739I, V1682I.
Identifiers: ClinVar variation 3470763 (VCV003470763.9).
Genomic context (GRCh38, chrX:54,198,512, plus strand): 5'-CTGAAATTCCTACCCACTGTACTGGATACCCCGCCCCCGCCACAGCATTATACTGACAAA[C>T]GTGAGGCATTCCATATGATGATAATGGCCCAGGAAATGAAGGGAGTGAGAGTCCTTGTGG-3'
Protein context (NP_065973.2, residues 1729-1749): GPLSSYGMPH[Val1739Ile]CQYNAVAGAG

ClinVar aggregate classification (germline): Conflicting classifications of pathogenicity. Review status: criteria provided, conflicting classifications (1 of 4 stars). 2 submissions from 2 submitters: Uncertain significance (1); Likely benign (1). Last evaluated 2025-07-01.

gnomAD v4.1: 86 of 1,204,208 alleles (0.0071%); highest among the groups gnomAD compares: South Asian, 0.083%; no homozygotes.

Submissions (2):

CeGaT Center for Human Genetics Tuebingen
Classification: Likely benign. Last evaluated: 2025-07-01. Review status: criteria provided, single submitter. Criteria: CeGaT Center For Human Genetics Tuebingen Variant Classification Criteria Version 2. Collection method: clinical testing. Allele origin: germline. Affected: yes. Observed: 1 variant allele.
Comment: WNK3: BP4, BS2

Ambry Genetics
Classification: Uncertain significance. Last evaluated: 2024-11-08. Review status: criteria provided, single submitter. Criteria: Ambry Variant Classification Scheme 2023. Collection method: clinical testing. Allele origin: germline.